The following is an entry in ClinVar:

ClinVar aggregate classification (germline): Uncertain significance (1 of 4 stars; one submission).

Conditions:
Hypertrophic cardiomyopathy. Also called: HYPERTROPHIC MYOCARDIOPATHY. Identifiers: Orphanet 217569, MedGen C0007194, MeSH D002312, MONDO:0005045, HP:0001639.

Submission:

Labcorp Genetics (formerly Invitae), Labcorp
Classification: Uncertain significance for Hypertrophic cardiomyopathy. Last evaluated: 2025-01-07. Review status: criteria provided, single submitter. Criteria: Invitae Variant Classification Sherloc (09022015). Collection method: clinical testing. Allele origin: germline.
Comment: This sequence change replaces serine, which is neutral and polar, with cysteine, which is neutral and slightly polar, at codon 221 of the MYOZ2 protein (p.Ser221Cys). This variant is not present in population databases (gnomAD no frequency). This variant has not been reported in the literature in individuals affected with MYOZ2-related conditions. Invitae Evidence Modeling of protein sequence and biophysical properties (such as structural, functional, and spatial information, amino acid conservation, physicochemical variation, residue mobility, and thermodynamic stability) indicates that this missense variant is not expected to disrupt MYOZ2 protein function with a negative predictive value of 80%. In summary, the available evidence is currently insufficient to determine the role of this variant in disease. Therefore, it has been classified as a Variant of Uncertain Significance.

NM_016599.5(MYOZ2):c.662C>G (p.Ser221Cys)

Gene: MYOZ2 (myozenin 2; plus strand). Cytogenetic location: 4q26.
Variant type: single nucleotide variant.
Coding change: c.662C>G on transcript NM_016599.5 (MANE Select); coding-DNA position 662, C replaced by G.
Protein change: p.Ser221Cys; replaces serine 221 with cysteine.
Molecular consequence: missense variant.
Genome position (GRCh38, 1-based): chr4:119,186,067, C>G. VCF-style: chr4-119186067-C-G. GRCh37 (hg19) VCF-style: chr4-120107222-C-G.
Other names: short protein forms S221C.
Identifiers: ClinVar variation 3615249 (VCV003615249.2).